The following is an entry in ClinVar:

NM_001368067.1(LDB3):c.331A>G (p.Asn111Asp)

Genes: LDB3 (LIM domain binding 3; plus strand), LOC110121486 (VISTA enhancer hs2143; plus strand). Cytogenetic location: 10q23.2.
Variant type: single nucleotide variant.
Coding change: c.331A>G on transcript NM_001368067.1 (MANE Plus Clinical); coding-DNA position 331, A replaced by G.
Protein change: p.Asn111Asp; replaces asparagine 111 with aspartic acid.
Molecular consequence: missense variant. On other transcripts: intron variant (7).
Genome position (GRCh38, 1-based): chr10:86,685,687, A>G. VCF-style: chr10-86685687-A-G. GRCh37 (hg19) VCF-style: chr10-88445444-A-G.
Other names: c.331A>G, p.Asn111Asp (NM_001080114.2, NM_001080116.1, NM_001368066.1 and 1 more transcripts); c.689+3884A>G (NM_001368064.1, NM_001368063.1, NM_007078.3 and 2 more transcripts); c.690-1382A>G (NM_001171610.2, NM_001171611.2); short protein forms N111D.
Identifiers: ClinVar variation 1300449 (VCV001300449.7), dbSNP rs376900496, ClinGen allele CA5584776.

ClinVar aggregate classification (germline): Uncertain significance. Review status: criteria provided, multiple submitters, no conflicts (2 of 4 stars). 2 submissions from 2 submitters: Uncertain significance (2). Last evaluated 2025-12-01.

Conditions:
Myofibrillar myopathy 4. Also called: Zaspopathy (type). Identifiers: Orphanet 98912, MedGen C4721886, MONDO:0012277, OMIM 609452.

Allele frequency attached by ClinVar (database versions not stated): gnomAD exomes below 0.00001 and 0.00003; gnomAD 0.00003 and 0.00004; TOPMed 0.00003; ExAC 0.00004; ESP Exome Variant Server 0.00016; 1000 Genomes Project 0.00040; 1000 Genomes Project 30x 0.00047.
gnomAD v4.1: 13 of 1,614,148 alleles (0.00081%); highest among the groups gnomAD compares: African/African-American, 0.008%; no homozygotes.

Submissions (2):

Labcorp Genetics (formerly Invitae), Labcorp
Classification: Uncertain significance for Myofibrillar myopathy 4. Last evaluated: 2025-12-01. Review status: criteria provided, single submitter. Criteria: Invitae Variant Classification Sherloc (09022015). Collection method: clinical testing. Allele origin: germline.
Comment: This sequence change replaces asparagine, which is neutral and polar, with aspartic acid, which is acidic and polar, at codon 111 of the LDB3 protein (p.Asn111Asp). This variant is present in population databases (rs376900496, gnomAD 0.03%). This variant has not been reported in the literature in individuals affected with LDB3-related conditions. ClinVar contains an entry for this variant (Variation ID: 1300449). An algorithm developed to predict the effect of missense changes on protein structure and function (PolyPhen-2) suggests that this variant is likely to be tolerated. In summary, the available evidence is currently insufficient to determine the role of this variant in disease. Therefore, it has been classified as a Variant of Uncertain Significance.

GeneDx
Classification: Uncertain significance. Last evaluated: 2021-04-01. Review status: criteria provided, single submitter. Criteria: GeneDx Variant Classification Process June 2021. Collection method: clinical testing. Allele origin: germline. Affected: yes.
Comment: Has not been previously published as pathogenic or benign to our knowledge; In silico analysis supports that this missense variant does not alter protein structure/function